The following is an entry in ClinVar:

ClinVar aggregate classification (germline): Benign/Likely benign. Review status: criteria provided, multiple submitters, no conflicts (2 of 4 stars). 5 submissions from 5 submitters: Benign (1); Likely benign (4). Last evaluated 2025-11-24.

Conditions:
Hereditary cancer-predisposing syndrome. Also called: Tumor predisposition; Neoplastic Syndromes, Hereditary; Hereditary Cancer Syndrome; Hereditary neoplastic syndrome. Identifiers: Orphanet 140162, MedGen C0027672, MeSH D009386, MONDO:0015356.
Familial cancer of breast. Also called: Hereditary breast cancer; BREAST CANCER, FAMILIAL; hereditary breast carcinoma. Identifiers: Orphanet 227535, MedGen C0346153, MONDO:0016419, OMIM 114480. Disease mechanism: loss of function.
Ataxia-telangiectasia syndrome (AT). Also called: Ataxia-telangiectasia; Cerebello-oculocutaneous telangiectasia; Immunodeficiency with ataxia telangiectasia; ATAXIA-TELANGIECTASIA, COMPLEMENTATION GROUP A; ATAXIA-TELANGIECTASIA, FRESNO VARIANT; Ataxia-telangiectasia, complementation group D. Identifiers: Orphanet 100, MedGen C0004135, MONDO:0008840, OMIM 208900.

Allele frequency attached by ClinVar (database versions not stated): gnomAD exomes below 0.00001 and 0.00001.
gnomAD v4.1: 1 of 1,613,548 alleles (0.000062%); highest among the groups gnomAD compares: Non-Finnish European, 0.000085%; no homozygotes.

Submissions (5):

Labcorp Genetics (formerly Invitae), Labcorp
Classification: Likely benign for Ataxia-telangiectasia syndrome. Last evaluated: 2025-11-24. Review status: criteria provided, single submitter. Criteria: Invitae Variant Classification Sherloc (09022015). Collection method: clinical testing. Allele origin: germline.

Myriad Genetics, Inc.
Classification: Benign for Familial cancer of breast. Last evaluated: 2024-05-22. Review status: criteria provided, single submitter. Criteria: Myriad Autosomal Dominant, Autosomal Recessive and X-Linked Classification Criteria (2023). Collection method: clinical testing. Allele origin: unknown.
Comment: This variant is considered benign. This variant is a silent/synonymous amino acid change and it is not expected to impact splicing.

Women's Health and Genetics/Laboratory Corporation of America, LabCorp
Classification: Likely benign. Last evaluated: 2019-07-18. Review status: criteria provided, single submitter. Criteria: LabCorp Variant Classification Summary - May 2015. Collection method: clinical testing. Allele origin: germline.

Color Diagnostics, LLC DBA Color Health
Classification: Likely benign for Hereditary cancer-predisposing syndrome. Last evaluated: 2018-07-03. Review status: criteria provided, single submitter. Criteria: ACMG Guidelines, 2015. Collection method: clinical testing. Allele origin: germline.

Ambry Genetics
Classification: Likely benign for Hereditary cancer-predisposing syndrome. Last evaluated: 2016-01-17. Review status: criteria provided, single submitter. Criteria: Ambry Variant Classification Scheme 2023. Collection method: clinical testing. Allele origin: germline.

NM_000051.4(ATM):c.5310A>G (p.Ser1770=)

Gene: ATM (ATM serine/threonine kinase; plus strand). Cytogenetic location: 11q22.3.
Variant type: single nucleotide variant.
Coding change: c.5310A>G on transcript NM_000051.4 (MANE Select); coding-DNA position 5310, A replaced by G.
Protein change: p.Ser1770=; no amino-acid change (serine 1770 retained).
Molecular consequence: synonymous variant.
Genome position (GRCh38, 1-based): chr11:108,301,780, A>G. VCF-style: chr11-108301780-A-G. GRCh37 (hg19) VCF-style: chr11-108172507-A-G.
Other names: c.5310A>G, p.Ser1770= (NM_001351834.2).
Identifiers: ClinVar variation 414556 (VCV000414556.20), dbSNP rs1060504282, ClinGen allele CA16613446.